The following is an entry in ClinVar:

ClinVar aggregate classification (germline): Uncertain significance (1 of 4 stars; one submission).

Conditions:
Progressive sclerosing poliodystrophy (MTDPS4A). Also called: Mitochondrial DNA depletion syndrome 4A (Alpers type); ALPERS PROGRESSIVE INFANTILE POLIODYSTROPHY; NEURONAL DEGENERATION OF CHILDHOOD WITH LIVER DISEASE, PROGRESSIVE; Mitochondrial DNA Depletion Syndrome 4A; Alpers-Huttenlocher Syndrome (AHS); Alpers Syndrome. Identifiers: Orphanet 726, MedGen C0205710, MONDO:0008758, OMIM 203700.

Allele frequency attached by ClinVar (database versions not stated): gnomAD exomes below 0.00001.
gnomAD v4.1: 1 of 1,539,632 alleles (0.000065%); highest among the groups gnomAD compares: Non-Finnish European, 0.000087%; no homozygotes.

Submission:

Labcorp Genetics (formerly Invitae), Labcorp
Classification: Uncertain significance for Progressive sclerosing poliodystrophy. Last evaluated: 2022-08-23. Review status: criteria provided, single submitter. Criteria: Invitae Variant Classification Sherloc (09022015). Collection method: clinical testing. Allele origin: germline.
Comment: In summary, the available evidence is currently insufficient to determine the role of this variant in disease. Therefore, it has been classified as a Variant of Uncertain Significance. Algorithms developed to predict the effect of missense changes on protein structure and function output the following: SIFT: "Tolerated"; PolyPhen-2: "Benign"; Align-GVGD: "Class C0". The leucine amino acid residue is found in multiple mammalian species, which suggests that this missense change does not adversely affect protein function. This sequence change replaces proline, which is neutral and non-polar, with leucine, which is neutral and non-polar, at codon 18 of the POLG protein (p.Pro18Leu). ClinVar contains an entry for this variant (Variation ID: 1479878). This variant has not been reported in the literature in individuals affected with POLG-related conditions. This variant is not present in population databases (gnomAD no frequency).

NM_002693.3(POLG):c.53C>T (p.Pro18Leu)

Genes: POLGARF (POLG alternative reading frame; minus strand), POLG (DNA polymerase gamma, catalytic subunit; minus strand). Cytogenetic location: 15q26.1.
Variant type: single nucleotide variant.
Coding change: c.53C>T on transcript NM_002693.3 (MANE Select); coding-DNA position 53, C replaced by T.
Protein change: p.Pro18Leu; replaces proline 18 with leucine.
Molecular consequence: missense variant.
Genome position (GRCh38, 1-based): chr15:89,333,702, G>A on the plus strand (C>T on the coding strand, the complement: POLG is on the minus strand). VCF-style: chr15-89333702-G-A. GRCh37 (hg19) VCF-style: chr15-89876933-G-A.
Other names: c.53C>T, p.Pro18Leu (NM_001126131.2); short protein forms P18L.
Identifiers: ClinVar variation 1479878 (VCV001479878.6), dbSNP rs1394515933, ClinGen allele CA393775096.